The following is an entry in ClinVar:

ClinVar aggregate classification (germline): Likely benign (1 of 4 stars; one submission).

gnomAD v4.1: 1 of 1,210,920 alleles (0.000083%); highest among the groups gnomAD compares: Non-Finnish European, 0.00011%; no homozygotes.

Submission:

CeGaT Center for Human Genetics Tuebingen
Classification: Likely benign. Last evaluated: 2025-05-01. Review status: criteria provided, single submitter. Criteria: CeGaT Center For Human Genetics Tuebingen Variant Classification Criteria Version 2. Collection method: clinical testing. Allele origin: germline. Affected: yes. Observed: 1 variant allele.
Comment: FLNA: BP4, BP7

NM_001110556.2(FLNA):c.4659C>G (p.Pro1553=)

Gene: FLNA (filamin A; minus strand). Cytogenetic location: Xq28.
Variant type: single nucleotide variant.
Coding change: c.4659C>G on transcript NM_001110556.2 (MANE Select); coding-DNA position 4659, C replaced by G.
Protein change: p.Pro1553=; no amino-acid change (proline 1553 retained).
Molecular consequence: synonymous variant.
Genome position (GRCh38, 1-based): chrX:154,358,295, G>C on the plus strand (C>G on the coding strand, the complement: FLNA is on the minus strand). VCF-style: chrX-154358295-G-C. GRCh37 (hg19) VCF-style: chrX-153586663-G-C.
Other names: c.4659C>G, p.Pro1553= (NM_001456.4).
Identifiers: ClinVar variation 3905707 (VCV003905707.10).